The following is an entry in ClinVar:

NM_006662.3(SRCAP):c.2444T>C (p.Ile815Thr)

Gene: SRCAP (Snf2 related CREBBP activator protein; plus strand). Cytogenetic location: 16p11.2.
Variant type: single nucleotide variant.
Coding change: c.2444T>C on transcript NM_006662.3 (MANE Select); coding-DNA position 2444, T replaced by C.
Protein change: p.Ile815Thr; replaces isoleucine 815 with threonine.
Molecular consequence: missense variant.
Genome position (GRCh38, 1-based): chr16:30,713,662, T>C. VCF-style: chr16-30713662-T-C. GRCh37 (hg19) VCF-style: chr16-30724983-T-C.
Other names: short protein forms I815T.
Identifiers: ClinVar variation 3657576 (VCV003657576.2).

ClinVar aggregate classification (germline): Uncertain significance (1 of 4 stars; one submission).

gnomAD v4.1: 1 of 1,614,088 alleles (0.000062%); highest among the groups gnomAD compares: Non-Finnish European, 0.000085%; no homozygotes.

Submission:

Labcorp Genetics (formerly Invitae), Labcorp
Classification: Uncertain significance. Last evaluated: 2024-06-23. Review status: criteria provided, single submitter. Criteria: Invitae Variant Classification Sherloc (09022015). Collection method: clinical testing. Allele origin: germline.
Comment: This sequence change replaces isoleucine, which is neutral and non-polar, with threonine, which is neutral and polar, at codon 815 of the SRCAP protein (p.Ile815Thr). This variant is not present in population databases (gnomAD no frequency). This variant has not been reported in the literature in individuals affected with SRCAP-related conditions. Advanced modeling of protein sequence and biophysical properties (such as structural, functional, and spatial information, amino acid conservation, physicochemical variation, residue mobility, and thermodynamic stability) performed at Invitae indicates that this missense variant is not expected to disrupt SRCAP protein function with a negative predictive value of 80%. In summary, the available evidence is currently insufficient to determine the role of this variant in disease. Therefore, it has been classified as a Variant of Uncertain Significance.